The following is an entry in ClinVar:

NM_001122630.2(CDKN1C):c.149G>C (p.Trp50Ser)

Gene: CDKN1C (cyclin dependent kinase inhibitor 1C; minus strand). Cytogenetic location: 11p15.4.
Variant type: single nucleotide variant.
Coding change: c.149G>C on transcript NM_001122630.2 (MANE Select); coding-DNA position 149, G replaced by C.
Protein change: p.Trp50Ser; replaces tryptophan 50 with serine.
Molecular consequence: missense variant.
Genome position (GRCh38, 1-based): chr11:2,885,308, C>G on the plus strand (G>C on the coding strand, the complement: CDKN1C is on the minus strand). VCF-style: chr11-2885308-C-G. GRCh37 (hg19) VCF-style: chr11-2906538-C-G.
Other names: c.182G>C, p.Trp61Ser (LRG_533t1, NM_000076.2, NM_001362474.2); c.149G>C, p.Trp50Ser (NM_001122631.2, NM_001362475.2); short protein forms W61S, W50S.
Identifiers: ClinVar variation 524704 (VCV000524704.8), dbSNP rs1554938211, ClinGen allele CA379147479.

ClinVar aggregate classification (germline): Uncertain significance (1 of 4 stars; one submission).

Conditions:
Beckwith-Wiedemann syndrome (BWS). Also called: EMG SYNDROME; Exomphalos macroglossia gigantism syndrome. Identifiers: Orphanet 116, MedGen C0004903, MONDO:0007534, OMIM 130650.

Submission:

Labcorp Genetics (formerly Invitae), Labcorp
Classification: Uncertain significance for Beckwith-Wiedemann syndrome. Last evaluated: 2018-01-21. Review status: criteria provided, single submitter. Criteria: Invitae Variant Classification Sherloc (09022015). Collection method: clinical testing. Allele origin: germline.
Comment: In summary, the available evidence is currently insufficient to determine the role of this variant in disease. Therefore, it has been classified as a Variant of Uncertain Significance. Algorithms developed to predict the effect of missense changes on protein structure and function (SIFT, PolyPhen-2, Align-GVGD) all suggest that this variant is likely to be disruptive, but these predictions have not been confirmed by published functional studies and their clinical significance is uncertain. This variant has not been reported in the literature in individuals with CDKN1C-related disease. This variant is not present in population databases (ExAC no frequency). This sequence change replaces tryptophan with serine at codon 61 of the CDKN1C protein (p.Trp61Ser). The tryptophan residue is highly conserved and there is a large physicochemical difference between tryptophan and serine.